The following is an entry in ClinVar:

ClinVar aggregate classification (germline): Benign/Likely benign. Review status: criteria provided, multiple submitters, no conflicts (2 of 4 stars). 3 submissions from 3 submitters: Benign (1); Likely benign (2). Last evaluated 2025-12-08.

Conditions:
Hereditary cancer-predisposing syndrome. Also called: Neoplastic Syndromes, Hereditary; Tumor predisposition; Hereditary Cancer Syndrome; Hereditary neoplastic syndrome. Identifiers: Orphanet 140162, MedGen C0027672, MeSH D009386, MONDO:0015356.
Familial cancer of breast. Also called: BREAST CANCER, FAMILIAL; hereditary breast carcinoma; Hereditary breast cancer. Identifiers: Orphanet 227535, MedGen C0346153, MONDO:0016419, OMIM 114480. Disease mechanism: loss of function.

Allele frequency attached by ClinVar (database versions not stated): gnomAD exomes below 0.00001.
gnomAD v4.1: 1 of 1,609,078 alleles (0.000062%); highest among the groups gnomAD compares: Non-Finnish European, 0.000085%; no homozygotes.

Submissions (3):

Labcorp Genetics (formerly Invitae), Labcorp
Classification: Likely benign for Familial cancer of breast. Last evaluated: 2025-12-08. Review status: criteria provided, single submitter. Criteria: Invitae Variant Classification Sherloc (09022015). Collection method: clinical testing. Allele origin: germline.

Myriad Genetics, Inc.
Classification: Benign for Familial cancer of breast. Last evaluated: 2024-07-19. Review status: criteria provided, single submitter. Criteria: Myriad Autosomal Dominant, Autosomal Recessive and X-Linked Classification Criteria (2023). Collection method: clinical testing. Allele origin: unknown.
Comment: This variant is considered benign. This variant is a silent/synonymous amino acid change and it is not expected to impact splicing.

Ambry Genetics
Classification: Likely benign for Hereditary cancer-predisposing syndrome. Last evaluated: 2021-08-10. Review status: criteria provided, single submitter. Criteria: Ambry Variant Classification Scheme 2023. Collection method: clinical testing. Allele origin: germline.

NM_000465.4(BARD1):c.372A>G (p.Lys124=)

Gene: BARD1 (BRCA1 associated RING domain 1; minus strand). Cytogenetic location: 2q35.
Variant type: single nucleotide variant.
Coding change: c.372A>G on transcript NM_000465.4 (MANE Select); coding-DNA position 372, A replaced by G.
Protein change: p.Lys124=; no amino-acid change (lysine 124 retained).
Molecular consequence: synonymous variant. On other transcripts: non-coding transcript variant (2), intron variant (3).
Genome position (GRCh38, 1-based): chr2:214,781,502, T>C on the plus strand (A>G on the coding strand, the complement: BARD1 is on the minus strand). VCF-style: chr2-214781502-T-C. GRCh37 (hg19) VCF-style: chr2-215646226-T-C.
Other names: c.315A>G, p.Lys105= (NM_001282543.2); c.158+27910A>G (NM_001282548.2); c.215+15559A>G (NM_001282545.2); c.364+10795A>G (NM_001282549.2).
Identifiers: ClinVar variation 460746 (VCV000460746.16), dbSNP rs1553622726, ClinGen allele CA431137042.